The following is an entry in ClinVar:

ClinVar aggregate classification (germline): Conflicting classifications of pathogenicity. Review status: criteria provided, conflicting classifications (1 of 4 stars). 4 submissions from 4 submitters: Pathogenic (1); Likely pathogenic (2); Uncertain significance (1). Last evaluated 2021-07-14.

Conditions:
Severe combined immunodeficiency disease. Also called: Severe Combined Immune Deficiency; Severe combined immunodeficiency. Identifiers: Orphanet 183660, MedGen C0085110, MeSH D016511, MONDO:0015974, HP:0004430. Inheritance: X-Linked or Autosomal recessive.
T-B+ severe combined immunodeficiency due to JAK3 deficiency. Also called: SCID, autosomal recessive, T-negative/B-positive type; SCID, T CELL-NEGATIVE, B CELL-POSITIVE, NK CELL-NEGATIVE. Identifiers: Orphanet 35078, MedGen C1833275, MONDO:0010938, OMIM 600802.

Allele frequency attached by ClinVar (database versions not stated): gnomAD exomes 0.00001; TOPMed below 0.00001; ExAC 0.00004.

Submissions (4):

Labcorp Genetics (formerly Invitae), Labcorp
Classification: Uncertain significance for T-B+ severe combined immunodeficiency due to JAK3 deficiency. Last evaluated: 2021-07-14. Review status: criteria provided, single submitter. Criteria: Invitae Variant Classification Sherloc (09022015). Collection method: clinical testing. Allele origin: germline.
Comment: This sequence change affects codon 589 of the JAK3 mRNA. It is a 'silent' change, meaning that it does not change the encoded amino acid sequence of the JAK3 protein. RNA analysis indicates that this variant induces altered splicing and likely results in the loss of 7 amino acid residue(s), but is expected to preserve the integrity of the reading-frame. This variant is present in population databases (rs193922362, ExAC 0.01%). This variant has been observed in individual(s) with severe combined immunodeficiency (PMID: 9354668, 23384681, 32754152). This variant is also known as a C to T transition at nt 1862. ClinVar contains an entry for this variant (Variation ID: 36416). Studies have shown that this variant results in the activation of a cryptic splice site in exon 13 (PMID: 9354668). In summary, the available evidence is currently insufficient to determine the role of this variant in disease. Therefore, it has been classified as a Variant of Uncertain Significance.

Revvity Omics, Revvity
Classification: Likely pathogenic for T-B+ severe combined immunodeficiency due to JAK3 deficiency. Last evaluated: 2020-11-23. Review status: criteria provided, single submitter. Criteria: ACMG Guidelines, 2015. Collection method: clinical testing. Allele origin: germline.

GeneDx
Classification: Pathogenic. Last evaluated: 2016-08-23. Review status: criteria provided, single submitter. Criteria: GeneDx Variant Classification (06012015). Collection method: clinical testing. Allele origin: germline. Affected: yes.
Comment: The c.1767 C>T variant has been published previously in association with SCID (Candotti et al., 1997; Cattaneo et al., 2013). The variant was not observed in approximately 6,500 individuals of European and African American ancestry in the NHLBI Exome Sequencing Project, indicating it is not a common benign variant in these populations. While this variant leads to a synonymous amino acid change, several in-silico splice prediction models predict that c.1767 C>T creates a cryptic donor site which may supplant the natural donor site of intron 13 and lead to abnormal gene splicing. Additionally, functional studies have shown that the variant causes the loss of 21 nucleotides upstream of the natural splice donor site, leading to impaired function of the JAK3 protein (Candotti et al., 1997). Therefore, we consider this variant to be pathogenic.

Women's Health and Genetics/Laboratory Corporation of America, LabCorp
Classification: Likely pathogenic for SCID. Last evaluated: 2011-08-18. Review status: criteria provided, single submitter. Criteria: LabCorp Variant Classification Summary - May 2015. Collection method: curation, clinical testing. Allele origin: germline. Inheritance: autosomal recessive. Affected: yes. Observed: 2 variant alleles.
ClinVar note: Converted during submission from likely pathogenic to Likely pathogenic.

Literature cited by the submitters: PubMed 9354668 (cited by Labcorp Genetics (formerly Invitae), Labcorp and Women's Health and Genetics/Laboratory Corporation of America, LabCorp); PubMed 23384681 (cited by Labcorp Genetics (formerly Invitae), Labcorp); PubMed 32754152 (cited by Labcorp Genetics (formerly Invitae), Labcorp); PubMed 10982185 (cited by Women's Health and Genetics/Laboratory Corporation of America, LabCorp); PubMed 14615376 (cited by Women's Health and Genetics/Laboratory Corporation of America, LabCorp); PubMed 11668610 (cited by Women's Health and Genetics/Laboratory Corporation of America, LabCorp); PubMed 17433830 (cited by Women's Health and Genetics/Laboratory Corporation of America, LabCorp); PubMed 10900158 (cited by Women's Health and Genetics/Laboratory Corporation of America, LabCorp).

NM_000215.4(JAK3):c.1767C>T (p.Gly589=)

Gene: JAK3 (Janus kinase 3; minus strand). Cytogenetic location: 19p13.11.
Variant type: single nucleotide variant.
Coding change: c.1767C>T on transcript NM_000215.4 (MANE Select); coding-DNA position 1767, C replaced by T.
Protein change: p.Gly589=; no amino-acid change (glycine 589 retained).
Molecular consequence: synonymous variant.
Genome position (GRCh38, 1-based): chr19:17,837,148, G>A on the plus strand (C>T on the coding strand, the complement: JAK3 is on the minus strand). VCF-style: chr19-17837148-G-A. GRCh37 (hg19) VCF-style: chr19-17947957-G-A.
Identifiers: ClinVar variation 36416 (VCV000036416.12), dbSNP rs193922362, ClinGen allele CA214082.